The following is an entry in ClinVar:

ClinVar aggregate classification (germline): Pathogenic. Review status: criteria provided, multiple submitters, no conflicts (2 of 4 stars). 2 submissions from 2 submitters: Pathogenic (2). Last evaluated 2024-11-11.

Submissions (2):

Labcorp Genetics (formerly Invitae), Labcorp
Classification: Pathogenic. Last evaluated: 2024-11-11. Review status: criteria provided, single submitter. Criteria: Invitae Variant Classification Sherloc (09022015). Collection method: clinical testing. Allele origin: germline.
Comment: This sequence change creates a premature translational stop signal (p.Gln229*) in the RP2 gene. It is expected to result in an absent or disrupted protein product. Loss-of-function variants in RP2 are known to be pathogenic (PMID: 11992260, 20625056). This variant is not present in population databases (gnomAD no frequency). This premature translational stop signal has been observed in individual(s) with retinitis pigmentosa (PMID: 30917587). ClinVar contains an entry for this variant (Variation ID: 1684124). Algorithms developed to predict the effect of sequence changes on RNA splicing suggest that this variant may disrupt the consensus splice site. For these reasons, this variant has been classified as Pathogenic.

GeneDx
Classification: Pathogenic. Last evaluated: 2022-05-12. Review status: criteria provided, single submitter. Criteria: GeneDx Variant Classification Process June 2021. Collection method: clinical testing. Allele origin: germline. Affected: yes.
Comment: Nonsense variant predicted to result in protein truncation or nonsense mediated decay in a gene for which loss-of-function is a known mechanism of disease; Not observed at significant frequency in large population cohorts (gnomAD); This variant is associated with the following publications: (PMID: 30917587)

Literature cited by the submitters: PubMed 11992260 (cited by Labcorp Genetics (formerly Invitae), Labcorp); PubMed 20625056 (cited by Labcorp Genetics (formerly Invitae), Labcorp); PubMed 30917587 (cited by Labcorp Genetics (formerly Invitae), Labcorp).

NM_006915.3(RP2):c.685C>T (p.Gln229Ter)

Gene: RP2 (RP2 activator of ARL3 GTPase; plus strand). Cytogenetic location: Xp11.3.
Variant type: single nucleotide variant.
Coding change: c.685C>T on transcript NM_006915.3 (MANE Select); coding-DNA position 685, C replaced by T.
Protein change: p.Gln229Ter; replaces glutamine 229 with a stop codon.
Molecular consequence: nonsense.
Genome position (GRCh38, 1-based): chrX:46,854,058, C>T. VCF-style: chrX-46854058-C-T. GRCh37 (hg19) VCF-style: chrX-46713493-C-T.
Other names: short protein forms Q229*.
Identifiers: ClinVar variation 1684124 (VCV001684124.7), dbSNP rs2147081545, ClinGen allele CA413040481.